The following is an entry in ClinVar:

NM_145290.4(ADGRA3):c.650C>T (p.Pro217Leu)

Gene: ADGRA3 (adhesion G protein-coupled receptor A3; minus strand). Cytogenetic location: 4p15.2.
Variant type: single nucleotide variant.
Coding change: c.650C>T on transcript NM_145290.4 (MANE Select); coding-DNA position 650, C replaced by T.
Protein change: p.Pro217Leu; replaces proline 217 with leucine.
Molecular consequence: missense variant.
Genome position (GRCh38, 1-based): chr4:22,445,029, G>A on the plus strand (C>T on the coding strand, the complement: ADGRA3 is on the minus strand). VCF-style: chr4-22445029-G-A. GRCh37 (hg19) VCF-style: chr4-22446652-G-A.
Other names: short protein forms P217L.
Identifiers: ClinVar variation 2513590 (VCV002513590.3), dbSNP rs907724711, ClinGen allele CA356478352.

ClinVar aggregate classification (germline): Uncertain significance. Review status: criteria provided, multiple submitters, no conflicts (2 of 4 stars). 2 submissions from 2 submitters: Uncertain significance (2). Last evaluated 2025-02-20.

Allele frequency attached by ClinVar (database versions not stated): gnomAD 0.00001.
gnomAD v4.1: 3 of 1,613,742 alleles (0.00019%); highest among the groups gnomAD compares: Non-Finnish European, 0.00025%; no homozygotes.

Submissions (2):

Labcorp Genetics (formerly Invitae), Labcorp
Classification: Uncertain significance. Last evaluated: 2025-02-20. Review status: criteria provided, single submitter. Criteria: Invitae Variant Classification Sherloc (09022015). Collection method: clinical testing. Allele origin: germline.
Comment: This sequence change replaces proline, which is neutral and non-polar, with leucine, which is neutral and non-polar, at codon 217 of the ADGRA3 protein (p.Pro217Leu). This variant is present in population databases (no rsID available, gnomAD 0.007%). This variant has not been reported in the literature in individuals affected with ADGRA3-related conditions. ClinVar contains an entry for this variant (Variation ID: 2513590). An algorithm developed to predict the effect of missense changes on protein structure and function (PolyPhen-2) suggests that this variant is likely to be disruptive. Algorithms developed to predict the effect of sequence changes on RNA splicing suggest that this variant may create or strengthen a splice site. In summary, the available evidence is currently insufficient to determine the role of this variant in disease. Therefore, it has been classified as a Variant of Uncertain Significance.

Ambry Genetics
Classification: Uncertain significance. Last evaluated: 2023-05-05. Review status: criteria provided, single submitter. Criteria: Ambry Variant Classification Scheme 2023. Collection method: clinical testing. Allele origin: germline.